The following is an entry in ClinVar:

NM_000179.3(MSH6):c.1766del (p.Tyr589fs)

Gene: MSH6 (mutS homolog 6; plus strand). Cytogenetic location: 2p16.3.
Variant type: Deletion.
Coding change: c.1766del on transcript NM_000179.3 (MANE Select); coding-DNA position 1766, one base deleted (A; older notation c.1766delA).
Protein change: p.Tyr589fs; shifts the reading frame from tyrosine 589.
Molecular consequence: frameshift variant. On other transcripts: non-coding transcript variant (4), intron variant (2).
Genome position (GRCh38, 1-based): chr2:47,799,749, A deleted. VCF-style (leftmost placement, unchanged base first): chr2-47799748-TA-T. GRCh37 (hg19) VCF-style: chr2-48026887-TA-T.
Other names: c.1376del, p.Tyr459fs (NM_001281492.2); c.860del, p.Tyr287fs (NM_001281493.2, NM_001281494.2, NM_001406811.1 and 6 more transcripts); c.1862del, p.Tyr621fs (NM_001406795.1, NM_001406802.1); c.1766del, p.Tyr589fs (NM_001406796.1, NM_001406798.1, NM_001406800.1 and 3 more transcripts); c.1469del, p.Tyr490fs (NM_001406797.1, NM_001406801.1, NM_001406805.1 and 10 more transcripts); c.1241del, p.Tyr414fs (NM_001406799.1, NM_001406806.1, NM_001406807.1); c.1688del, p.Tyr563fs (NM_001406804.1); c.1772del, p.Tyr591fs (NM_001406813.1); and 3 more; short protein forms Y414fs, Y490fs, Y533fs, Y591fs, Y287fs, Y621fs, Y459fs, Y563fs.
Identifiers: ClinVar variation 4715126 (VCV004715126.1).

ClinVar aggregate classification (germline): Pathogenic (1 of 4 stars; one submission).

Conditions:
Hereditary nonpolyposis colorectal neoplasms. Identifiers: MedGen C0009405, MeSH D003123.

Submission:

Labcorp Genetics (formerly Invitae), Labcorp
Classification: Pathogenic for Hereditary nonpolyposis colorectal neoplasms. Last evaluated: 2025-05-13. Review status: criteria provided, single submitter. Criteria: Invitae Variant Classification Sherloc (09022015). Collection method: clinical testing. Allele origin: germline.
Comment: This sequence change creates a premature translational stop signal (p.Tyr589Phefs*21) in the MSH6 gene. It is expected to result in an absent or disrupted protein product. Loss-of-function variants in MSH6 are known to be pathogenic (PMID: 18269114, 24362816). This variant is not present in population databases (gnomAD no frequency). This variant has not been reported in the literature in individuals affected with MSH6-related conditions. For these reasons, this variant has been classified as Pathogenic.

Literature cited by the submitters: PubMed 18269114; PubMed 24362816.